The following is an entry in ClinVar:

ClinVar aggregate classification (germline): Likely benign (1 of 4 stars; one submission).

Allele frequency attached by ClinVar (database versions not stated): gnomAD 0.00005; gnomAD exomes 0.00008; ExAC 0.00011; TOPMed 0.00012; ESP Exome Variant Server 0.00015.

Submission:

CeGaT Center for Human Genetics Tuebingen
Classification: Likely benign. Last evaluated: 2022-05-01. Review status: criteria provided, single submitter. Criteria: CeGaT Center For Human Genetics Tuebingen Variant Classification Criteria Version 2. Collection method: clinical testing. Allele origin: germline. Affected: yes. Observed: 1 variant allele.
Comment: TEPSIN: BP4, BP7

NM_001363764.2(TEPSIN):c.1671G>A (p.Ala557=)

Genes: TEPSIN (TEPSIN adaptor related protein complex 4 accessory protein; minus strand), TEPSIN-AS1 (TEPSIN antisense RNA 1; plus strand). Cytogenetic location: 17q25.3.
Variant type: single nucleotide variant.
Coding change: c.1671G>A on transcript NM_001363764.2 (MANE Select); coding-DNA position 1671, G replaced by A.
Protein change: p.Ala557=; no amino-acid change (alanine 557 retained).
Molecular consequence: synonymous variant. On other transcripts: non-coding transcript variant (1).
Genome position (GRCh38, 1-based): chr17:81,229,039, C>T on the plus strand (G>A on the coding strand, the complement: TEPSIN is on the minus strand). VCF-style: chr17-81229039-C-T. GRCh37 (hg19) VCF-style: chr17-79202839-C-T.
Other names: c.1467G>A, p.Ala489= (NM_144679.3).
Identifiers: ClinVar variation 2648443 (VCV002648443.24), dbSNP rs376025130, ClinGen allele CA8830526.